The following is an entry in ClinVar:

NM_006734.4(HIVEP2):c.5420G>A (p.Arg1807His)

Gene: HIVEP2 (HIVEP zinc finger 2; minus strand). Cytogenetic location: 6q24.2.
Variant type: single nucleotide variant.
Coding change: c.5420G>A on transcript NM_006734.4 (MANE Select); coding-DNA position 5420, G replaced by A.
Protein change: p.Arg1807His; replaces arginine 1807 with histidine.
Molecular consequence: missense variant.
Genome position (GRCh38, 1-based): chr6:142,764,897, C>T on the plus strand (G>A on the coding strand, the complement: HIVEP2 is on the minus strand). VCF-style: chr6-142764897-C-T. GRCh37 (hg19) VCF-style: chr6-143086034-C-T.
Other names: short protein forms R1807H.
Identifiers: ClinVar variation 1708828 (VCV001708828.3), dbSNP rs2482796147, ClinGen allele CA365891471.

ClinVar aggregate classification (germline): Uncertain significance. Review status: criteria provided, multiple submitters, no conflicts (2 of 4 stars). 2 submissions from 2 submitters: Uncertain significance (2). Last evaluated 2025-08-27.

Conditions:
Inborn genetic diseases. Identifiers: MedGen C0950123, MeSH D030342.

Submissions (2):

Ambry Genetics
Classification: Uncertain significance for Inborn genetic diseases. Last evaluated: 2025-08-27. Review status: criteria provided, single submitter. Criteria: Ambry Variant Classification Scheme 2023. Collection method: clinical testing. Allele origin: germline.

GeneDx
Classification: Uncertain significance. Last evaluated: 2022-04-08. Review status: criteria provided, single submitter. Criteria: GeneDx Variant Classification Process June 2021. Collection method: clinical testing. Allele origin: germline. Affected: yes.
Comment: Not observed at significant frequency in large population cohorts (gnomAD); In silico analysis supports that this missense variant has a deleterious effect on protein structure/function; Has not been previously published as pathogenic or benign to our knowledge